The following is an entry in ClinVar:

NM_015040.4(PIKFYVE):c.2892G>A (p.Pro964=)

Gene: PIKFYVE (phosphoinositide kinase, FYVE-type zinc finger containing; plus strand). Cytogenetic location: 2q34.
Variant type: single nucleotide variant.
Coding change: c.2892G>A on transcript NM_015040.4 (MANE Select); coding-DNA position 2892, G replaced by A.
Protein change: p.Pro964=; no amino-acid change (proline 964 retained).
Molecular consequence: synonymous variant.
Genome position (GRCh38, 1-based): chr2:208,325,703, G>A. VCF-style: chr2-208325703-G-A. GRCh37 (hg19) VCF-style: chr2-209190427-G-A.
Identifiers: ClinVar variation 333907 (VCV000333907.11), dbSNP rs146556775, ClinGen allele CA2079949.

ClinVar aggregate classification (germline): Benign. Review status: criteria provided, multiple submitters, no conflicts (2 of 4 stars). 3 submissions from 3 submitters: Benign (2). 1 of the submissions does not count toward it. Last evaluated 2026-01-09.

Conditions:
PIKFYVE-related disorder. Also called: PIKFYVE-related condition.
Fleck corneal dystrophy (CFD). Also called: CORNEAL DYSTROPHY, FRANCOIS-NEETENS SPECKLED OR FLECKED. Identifiers: Orphanet 98970, MedGen C1562113, MONDO:0007376, OMIM 121850.

Allele frequency attached by ClinVar (database versions not stated): gnomAD 0.00080 and 0.00095; TOPMed 0.00089; 1000 Genomes Project 0.00100; 1000 Genomes Project 30x 0.00109; ESP Exome Variant Server 0.00123; gnomAD exomes 0.00128 and 0.00182; ExAC 0.00143.
gnomAD v4.1: 2,761 of 1,613,698 alleles (0.17%); highest among the groups gnomAD compares: South Asian, 0.33%; 8 homozygotes.

Submissions (3):

Labcorp Genetics (formerly Invitae), Labcorp
Classification: Benign. Last evaluated: 2026-01-09. Review status: criteria provided, single submitter. Criteria: Invitae Variant Classification Sherloc (09022015). Collection method: clinical testing. Allele origin: germline.

Illumina Laboratory Services, Illumina
Classification: Benign for Fleck corneal dystrophy. Last evaluated: 2018-01-13. Review status: criteria provided, single submitter. Criteria: ICSL Variant Classification Criteria 13 December 2019. Collection method: clinical testing. Allele origin: germline.
Comment: This variant was observed in the ICSL laboratory as part of a predisposition screen in an ostensibly healthy population. It had not been previously curated by ICSL or reported in the Human Gene Mutation Database (HGMD: prior to June 1st, 2018), and was therefore a candidate for classification through an automated scoring system. Utilizing variant allele frequency, disease prevalence and penetrance estimates, and inheritance mode, an automated score was calculated to assess if this variant is too frequent to cause the disease. Based on the score and internal cut-off values, a variant classified as benign is not then subjected to further curation. The score for this variant resulted in a classification of benign for this disease.

PreventionGenetics, part of Exact Sciences
Classification: Likely benign for PIKFYVE-related condition. Last evaluated: 2023-12-01. Review status: no assertion criteria provided. Collection method: clinical testing. Allele origin: germline. Not counted in ClinVar's aggregate classification.
Comment: This variant is classified as likely benign based on ACMG/AMP sequence variant interpretation guidelines (Richards et al. 2015 PMID: 25741868, with internal and published modifications).